The following is an entry in ClinVar:

ClinVar aggregate classification (germline): Uncertain significance (1 of 4 stars; one submission).

Conditions:
Inborn genetic diseases. Identifiers: MedGen C0950123, MeSH D030342.

Allele frequency attached by ClinVar (database versions not stated): gnomAD exomes below 0.00001; TOPMed below 0.00001; ExAC 0.00001; gnomAD 0.00001; ESP Exome Variant Server 0.00009.
gnomAD v4.1: 4 of 1,191,973 alleles (0.00034%); highest among the groups gnomAD compares: Non-Finnish European, 0.00045%; no homozygotes.

Submission:

Ambry Genetics
Classification: Uncertain significance for Inborn genetic diseases. Last evaluated: 2026-04-30. Review status: criteria provided, single submitter. Criteria: Ambry Variant Classification Scheme 2023. Collection method: clinical testing. Allele origin: germline.
Comment: The c.1220C>T (p.T407I) alteration is located in exon 6 (coding exon 5) of the ZMYM3 gene. This alteration results from a C to T substitution at nucleotide position 1220, causing the threonine (T) at amino acid position 407 to be replaced by an isoleucine (I). Based on data from gnomAD, the T allele has an overall frequency of 0.001% (1/157922) total alleles studied. The highest observed frequency was 0.001% (1/71776) of European (non-Finnish) alleles. Based on insufficient or conflicting evidence, the clinical significance of this alteration remains unclear.

NM_201599.3(ZMYM3):c.1220C>T (p.Thr407Ile)

Gene: ZMYM3 (zinc finger MYM-type containing 3; minus strand). Cytogenetic location: Xq13.1.
Variant type: single nucleotide variant.
Coding change: c.1220C>T on transcript NM_201599.3 (MANE Select); coding-DNA position 1220, C replaced by T.
Protein change: p.Thr407Ile; replaces threonine 407 with isoleucine.
Molecular consequence: missense variant.
Genome position (GRCh38, 1-based): chrX:71,250,057, G>A on the plus strand (C>T on the coding strand, the complement: ZMYM3 is on the minus strand). VCF-style: chrX-71250057-G-A. GRCh37 (hg19) VCF-style: chrX-70469907-G-A.
Other names: c.1220C>T, p.Thr407Ile (NM_001171162.1, NM_001171163.1, NM_005096.3); short protein forms T407I.
Identifiers: ClinVar variation 2532301 (VCV002532301.3), dbSNP rs367862111, ClinGen allele CA10445821.